The following is an entry in ClinVar:

NM_002458.3(MUC5B):c.4174G>A (p.Glu1392Lys)

Gene: MUC5B (mucin 5B, oligomeric mucus/gel-forming; plus strand). Cytogenetic location: 11p15.5.
Variant type: single nucleotide variant.
Coding change: c.4174G>A on transcript NM_002458.3 (MANE Select); coding-DNA position 4174, G replaced by A.
Protein change: p.Glu1392Lys; replaces glutamic acid 1392 with lysine.
Molecular consequence: missense variant.
Genome position (GRCh38, 1-based): chr11:1,241,054, G>A. VCF-style: chr11-1241054-G-A. GRCh37 (hg19) VCF-style: chr11-1262284-G-A.
Other names: short protein forms E1392K.
Identifiers: ClinVar variation 2641197 (VCV002641197.24), dbSNP rs759374254, ClinGen allele CA5805356.

ClinVar aggregate classification (germline): Uncertain significance (1 of 4 stars; one submission).

Allele frequency attached by ClinVar (database versions not stated): gnomAD exomes below 0.00001; ExAC 0.00001.
gnomAD v4.1: 1 of 1,612,572 alleles (0.000062%); highest among the groups gnomAD compares: East Asian, 0.0022%; no homozygotes.

Submission:

CeGaT Center for Human Genetics Tuebingen
Classification: Uncertain significance. Last evaluated: 2023-03-01. Review status: criteria provided, single submitter. Criteria: CeGaT Center For Human Genetics Tuebingen Variant Classification Criteria Version 2. Collection method: clinical testing. Allele origin: germline. Affected: yes. Observed: 1 variant allele.
Comment: MUC5B: PM2, BP4